The following is an entry in ClinVar:

NM_201384.3(PLEC):c.13200C>T (p.Pro4400=)

Gene: PLEC (plectin; minus strand). Cytogenetic location: 8q24.3.
Variant type: single nucleotide variant.
Coding change: c.13200C>T on transcript NM_201384.3 (MANE Select); coding-DNA position 13200, C replaced by T.
Protein change: p.Pro4400=; no amino-acid change (proline 4400 retained).
Molecular consequence: synonymous variant.
Genome position (GRCh38, 1-based): chr8:143,916,621, G>A on the plus strand (C>T on the coding strand, the complement: PLEC is on the minus strand). VCF-style: chr8-143916621-G-A. GRCh37 (hg19) VCF-style: chr8-144990789-G-A.
Other names: c.13281C>T (NM_000445.4); c.13281C>T, p.Pro4427= (NM_000445.5); c.13158C>T, p.Pro4386= (NM_201378.4); c.13134C>T, p.Pro4378= (NM_201379.3); c.13611C>T, p.Pro4537= (NM_201380.4); c.13104C>T, p.Pro4368= (NM_201381.3); c.13200C>T, p.Pro4400= (NM_201382.4); c.13212C>T, p.Pro4404= (NM_201383.3).
Identifiers: ClinVar variation 1137655 (VCV001137655.10), dbSNP rs782219243, ClinGen allele CA4923889.

ClinVar aggregate classification (germline): Likely benign. Review status: criteria provided, multiple submitters, no conflicts (2 of 4 stars). 2 submissions from 2 submitters: Likely benign (2). Last evaluated 2026-01-20.

Conditions:
PLEC-related disorder. Also called: PLEC-related disorders; PLEC-related condition.
Epidermolysis bullosa simplex with nail dystrophy (EBS5D). Identifiers: MedGen C4225309, MONDO:0014661, OMIM 616487.
Autosomal recessive limb-girdle muscular dystrophy type 2Q (LGMDR17). Also called: MUSCULAR DYSTROPHY, LIMB-GIRDLE, AUTOSOMAL RECESSIVE 17. Identifiers: Orphanet 254361, MedGen C3150989, MONDO:0013390, OMIM 613723.
Epidermolysis bullosa simplex, Ogna type (EBS5A). Also called: Pidermolysis bullosa simplex 5A, Ogna type; EPIDERMOLYSIS BULLOSA SIMPLEX 5A, OGNA TYPE. Identifiers: Orphanet 79401, MedGen C0432317, MONDO:0007555, OMIM 131950.
Epidermolysis bullosa simplex 5C, with pyloric atresia (EBS5C). Also called: PLEC-Related Epidermolysis Bullosa with Pyloric Atresia; Epidermolysis bullosa simplex with pyloric atresia; PLEC1-Related Epidermolysis Bullosa with Pyloric Atresia. Identifiers: Orphanet 158684, MedGen C2677349, MONDO:0012807, OMIM 612138.
Epidermolysis bullosa simplex 5B, with muscular dystrophy (EBS5B). Also called: EPIDERMOLYSIS BULLOSA SIMPLEX AND LIMB-GIRDLE MUSCULAR DYSTROPHY; Epidermolysis bullosa simplex with muscular dystrophy. Identifiers: Orphanet 257, MedGen C2931072, MONDO:0009181, OMIM 226670.

Allele frequency attached by ClinVar (database versions not stated): gnomAD exomes 0.00002; ExAC 0.00003; gnomAD 0.00005; TOPMed 0.00005.
gnomAD v4.1: 32 of 1,609,804 alleles (0.002%); highest among the groups gnomAD compares: East Asian, 0.025%; no homozygotes.

Submissions (2):

PreventionGenetics, part of Exact Sciences
Classification: Likely benign for PLEC-related condition. Last evaluated: 2026-01-20. Review status: criteria provided, single submitter. Criteria: ACMG Guidelines, 2015. Collection method: clinical testing. Allele origin: germline.
Comment: This variant is classified as likely benign based on ACMG/AMP sequence variant interpretation guidelines (Richards et al. 2015 PMID: 25741868, with internal and published modifications).

Labcorp Genetics (formerly Invitae), Labcorp
Classification: Likely benign for Autosomal recessive limb-girdle muscular dystrophy type 2Q; Epidermolysis bullosa simplex, Ogna type; Epidermolysis bullosa simplex with nail dystrophy; Epidermolysis bullosa simplex 5C, with pyloric atresia; Epidermolysis bullosa simplex 5B, with muscular dystrophy. Last evaluated: 2025-07-21. Review status: criteria provided, single submitter. Criteria: Invitae Variant Classification Sherloc (09022015). Collection method: clinical testing. Allele origin: germline.